The following is an entry in ClinVar:

NM_001377295.2(GNAT2):c.845A>C (p.His282Pro)

Gene: GNAT2 (G protein subunit alpha transducin 2; minus strand). Cytogenetic location: 1p13.3.
Variant type: single nucleotide variant.
Coding change: c.845A>C on transcript NM_001377295.2 (MANE Select); coding-DNA position 845, A replaced by C.
Protein change: p.His282Pro; replaces histidine 282 with proline.
Molecular consequence: missense variant.
Genome position (GRCh38, 1-based): chr1:109,603,980, T>G on the plus strand (A>C on the coding strand, the complement: GNAT2 is on the minus strand). VCF-style: chr1-109603980-T-G. GRCh37 (hg19) VCF-style: chr1-110146602-T-G.
Other names: c.845A>C, p.His282Pro (NM_001379232.1, NM_005272.5); short protein forms H282P.
Identifiers: ClinVar variation 876588 (VCV000876588.7), dbSNP rs779967692, ClinGen allele CA992304.

ClinVar aggregate classification (germline): Uncertain significance. Review status: criteria provided, multiple submitters, no conflicts (2 of 4 stars). 3 submissions from 3 submitters: Uncertain significance (3). Last evaluated 2023-04-11.

Conditions:
Achromatopsia 4 (ACHM4). Identifiers: Orphanet 49382, MedGen C1841721, MONDO:0013465, OMIM 613856.

Allele frequency attached by ClinVar (database versions not stated): gnomAD below 0.00001 and 0.00001; ExAC 0.00002; gnomAD exomes 0.00002.
gnomAD v4.1: 21 of 1,610,296 alleles (0.0013%); highest among the groups gnomAD compares: South Asian, 0.023%; no homozygotes.

Submissions (3):

Genome-Nilou Lab
Classification: Uncertain significance for Achromatopsia 4. Last evaluated: 2023-04-11. Review status: criteria provided, single submitter. Criteria: ACMG Guidelines, 2015. Collection method: clinical testing. Allele origin: germline. Affected: no.

Labcorp Genetics (formerly Invitae), Labcorp
Classification: Uncertain significance. Last evaluated: 2022-02-22. Review status: criteria provided, single submitter. Criteria: Invitae Variant Classification Sherloc (09022015). Collection method: clinical testing. Allele origin: germline.
Comment: In summary, the available evidence is currently insufficient to determine the role of this variant in disease. Therefore, it has been classified as a Variant of Uncertain Significance. Advanced modeling of protein sequence and biophysical properties (such as structural, functional, and spatial information, amino acid conservation, physicochemical variation, residue mobility, and thermodynamic stability) performed at Invitae indicates that this missense variant is not expected to disrupt GNAT2 protein function. ClinVar contains an entry for this variant (Variation ID: 876588). This variant has not been reported in the literature in individuals affected with GNAT2-related conditions. This variant is present in population databases (rs779967692, gnomAD 0.01%). This sequence change replaces histidine, which is basic and polar, with proline, which is neutral and non-polar, at codon 282 of the GNAT2 protein (p.His282Pro).

Illumina Laboratory Services, Illumina
Classification: Uncertain significance for Achromatopsia 4. Last evaluated: 2018-01-13. Review status: criteria provided, single submitter. Criteria: ICSL Variant Classification Criteria 13 December 2019. Collection method: clinical testing. Allele origin: germline.